The following is an entry in ClinVar:

ClinVar aggregate classification (germline): Uncertain significance. Review status: criteria provided, multiple submitters, no conflicts (2 of 4 stars). 2 submissions from 2 submitters: Uncertain significance (2). Last evaluated 2025-06-09.

Conditions:
Primary ciliary dyskinesia. Also called: Ciliary dyskinesia. Identifiers: Orphanet 244, MedGen C0008780, MONDO:0016575, HP:0012265.

Allele frequency attached by ClinVar (database versions not stated): TOPMed 0.00002; ExAC 0.00003; gnomAD 0.00003; ESP Exome Variant Server 0.00008.
gnomAD v4.1: 11 of 1,613,950 alleles (0.00068%); highest among the groups gnomAD compares: Admixed American, 0.012%; no homozygotes.

Submissions (2):

Ambry Genetics
Classification: Uncertain significance for Primary ciliary dyskinesia. Last evaluated: 2025-06-09. Review status: criteria provided, single submitter. Criteria: Ambry Variant Classification Scheme 2023. Collection method: clinical testing. Allele origin: germline.
Comment: The p.S525C variant (also known as c.1574C>G), located in coding exon 17 of the DNAI1 gene, results from a C to G substitution at nucleotide position 1574. The serine at codon 525 is replaced by cysteine, an amino acid with dissimilar properties. This amino acid position is conserved. In addition, this alteration is predicted to be deleterious by in silico analysis. Based on the available evidence, the clinical significance of this variant remains unclear.

Labcorp Genetics (formerly Invitae), Labcorp
Classification: Uncertain significance for Primary ciliary dyskinesia. Last evaluated: 2024-01-08. Review status: criteria provided, single submitter. Criteria: Invitae Variant Classification Sherloc (09022015). Collection method: clinical testing. Allele origin: germline.
Comment: This sequence change replaces serine, which is neutral and polar, with cysteine, which is neutral and slightly polar, at codon 525 of the DNAI1 protein (p.Ser525Cys). This variant is present in population databases (rs372818966, gnomAD 0.01%). This variant has not been reported in the literature in individuals affected with DNAI1-related conditions. ClinVar contains an entry for this variant (Variation ID: 2172354). Advanced modeling of protein sequence and biophysical properties (such as structural, functional, and spatial information, amino acid conservation, physicochemical variation, residue mobility, and thermodynamic stability) has been performed at Invitae for this missense variant, however the output from this modeling did not meet the statistical confidence thresholds required to predict the impact of this variant on DNAI1 protein function. In summary, the available evidence is currently insufficient to determine the role of this variant in disease. Therefore, it has been classified as a Variant of Uncertain Significance.

NM_012144.4(DNAI1):c.1574C>G (p.Ser525Cys)

Gene: DNAI1 (dynein axonemal intermediate chain 1; plus strand). Cytogenetic location: 9p13.3.
Variant type: single nucleotide variant.
Coding change: c.1574C>G on transcript NM_012144.4 (MANE Select); coding-DNA position 1574, C replaced by G.
Protein change: p.Ser525Cys; replaces serine 525 with cysteine.
Molecular consequence: missense variant.
Genome position (GRCh38, 1-based): chr9:34,514,398, C>G. VCF-style: chr9-34514398-C-G. GRCh37 (hg19) VCF-style: chr9-34514396-C-G.
Other names: c.1586C>G, p.Ser529Cys (NM_001281428.2); c.1574C>G (NM_012144.2); short protein forms S525C, S529C.
Identifiers: ClinVar variation 2172354 (VCV002172354.3), dbSNP rs372818966, ClinGen allele CA5034470.
Genomic context (GRCh38, chr9:34,514,398, plus strand): 5'-AAGTGGTGGCTGCTGACCTTTCTCTCACTTCTGACCCCCGTTCCCTCCCCGACCAGTGCT[C>G]TAAATCCTACTCCAGCCAATTCCTCGACACCTATGACGCCCACAACATGTCAGTGGACAC-3'
Protein context (NP_036276.1, residues 515-535): GTEEGKIYKC[Ser525Cys]KSYSSQFLDT